The following is an entry in ClinVar:

NM_006017.3(PROM1):c.1912A>G (p.Thr638Ala)

Gene: PROM1 (prominin 1; minus strand). Cytogenetic location: 4p15.32.
Variant type: single nucleotide variant.
Coding change: c.1912A>G on transcript NM_006017.3 (MANE Select); coding-DNA position 1912, A replaced by G.
Protein change: p.Thr638Ala; replaces threonine 638 with alanine.
Molecular consequence: missense variant.
Genome position (GRCh38, 1-based): chr4:15,991,293, T>C on the plus strand (A>G on the coding strand, the complement: PROM1 is on the minus strand). VCF-style: chr4-15991293-T-C. GRCh37 (hg19) VCF-style: chr4-15992916-T-C.
Other names: c.1885A>G, p.Thr629Ala (NM_001145847.2, NM_001145848.2, NM_001145851.2 and 4 more transcripts); c.1912A>G, p.Thr638Ala (NM_001145849.2, NM_001145850.2); c.1912A>G (NM_006017.2); short protein forms T629A, T638A.
Identifiers: ClinVar variation 1090758 (VCV001090758.11), dbSNP rs201745632, ClinGen allele CA2866587.
Genomic context (GRCh38, chr4:15,991,293, plus strand): 5'-CTTTTGCTTCTAGATCATATGCAAATGATAAAAGATTCACTCCTGCGGGGGATTTACCAG[T>C]CTACAATAGAAGTGAAAAAAATTGTCTTATGGATATGGGATCTTTAAGCCTTAACACAAC-3'
Protein context (NP_006008.1, residues 628-648): RMNYDSYLAQ[Thr638Ala]GKSPAGVNLL

ClinVar aggregate classification (germline): Benign/Likely benign. Review status: criteria provided, multiple submitters, no conflicts (2 of 4 stars). 3 submissions from 3 submitters: Benign (1); Likely benign (1). 1 of the submissions does not count toward it. Last evaluated 2026-01-05.

Conditions:
PROM1-related disorder. Also called: PROM1-related condition; PROM1-related disorders.

Allele frequency attached by ClinVar (database versions not stated): gnomAD exomes 0.00006 and 0.00014; ExAC 0.00024; 1000 Genomes Project 30x 0.00031; 1000 Genomes Project 0.00040; ESP Exome Variant Server 0.00068; gnomAD 0.00069 and 0.00077; TOPMed 0.00084.
gnomAD v4.1: 188 of 1,594,992 alleles (0.012%); highest among the groups gnomAD compares: African/African-American, 0.24%; no homozygotes.

Submissions (3):

Labcorp Genetics (formerly Invitae), Labcorp
Classification: Likely benign. Last evaluated: 2026-01-05. Review status: criteria provided, single submitter. Criteria: Invitae Variant Classification Sherloc (09022015). Collection method: clinical testing. Allele origin: germline.

Blueprint Genetics
Classification: Benign. Last evaluated: 2024-10-24. Review status: criteria provided, single submitter. Criteria: ACMG Guidelines, 2015. Collection method: clinical testing. Allele origin: germline.

PreventionGenetics, part of Exact Sciences
Classification: Likely benign for PROM1-related condition. Last evaluated: 2024-09-23. Review status: no assertion criteria provided. Collection method: clinical testing. Allele origin: germline. Not counted in ClinVar's aggregate classification.
Comment: This variant is classified as likely benign based on ACMG/AMP sequence variant interpretation guidelines (Richards et al. 2015 PMID: 25741868, with internal and published modifications).